The following is an entry in ClinVar:

ClinVar aggregate classification (germline): Pathogenic (1 of 4 stars; one submission).

Conditions:
Familial hypokalemia-hypomagnesemia (GTLMNS). Also called: gitelman syndrome; HYPOMAGNESEMIA-HYPOKALEMIA, PRIMARY RENOTUBULAR, WITH HYPOCALCIURIA; POTASSIUM AND MAGNESIUM DEPLETION. Identifiers: Orphanet 358, MedGen C0268450, MONDO:0009904, OMIM 263800.

gnomAD v4.1: 1 of 1,614,210 alleles (0.000062%); highest among the groups gnomAD compares: Non-Finnish European, 0.000085%; no homozygotes.

Submission:

MVZ Medizinische Genetik Mainz
Classification: Pathogenic for Familial hypokalemia-hypomagnesemia. Last evaluated: 2026-01-20. Review status: criteria provided, single submitter. Criteria: UK Practice Guidelines For Variant Classification V4 01 2020. Collection method: clinical testing. Allele origin: germline. Inheritance: Autosomal recessive inheritance. Affected: yes. Observed: 1 variant allele.
Comment: ACMG Criteria: PVS1,PM2_SUP,PM3_SUP,PP4

NM_001126108.2(SLC12A3):c.1760G>A (p.Trp587Ter)

Gene: SLC12A3 (solute carrier family 12 member 3; plus strand). Cytogenetic location: 16q13.
Variant type: single nucleotide variant.
Coding change: c.1760G>A on transcript NM_001126108.2 (MANE Select); coding-DNA position 1760, G replaced by A.
Protein change: p.Trp587Ter; replaces tryptophan 587 with a stop codon.
Molecular consequence: nonsense.
Genome position (GRCh38, 1-based): chr16:56,884,139, G>A. VCF-style: chr16-56884139-G-A. GRCh37 (hg19) VCF-style: chr16-56918051-G-A.
Other names: c.1760G>A, p.Trp587Ter (NM_000339.3); c.1757G>A, p.Trp586Ter (NM_001126107.2, NM_001410896.1); short protein forms W586*, W587*.
Identifiers: ClinVar variation 4796798 (VCV004796798.1).
Genomic context (GRCh38, chr16:56,884,139, plus strand): 5'-AGTGGGCGGCGCTGTTTGGGGCTATCATCTCCGTGGTCATCATGTTCCTCCTCACCTGGT[G>A]GGCGGCCCTCATCGCCATTGGCGTGGTGCTCTTCCTCCTGCTCTATGTCATCTACAAGAA-3'